The following is an entry in ClinVar:

ClinVar aggregate classification (germline): Uncertain significance (1 of 4 stars; one submission).

Submission:

Labcorp Genetics (formerly Invitae), Labcorp
Classification: Uncertain significance. Last evaluated: 2025-05-26. Review status: criteria provided, single submitter. Criteria: Invitae Variant Classification Sherloc (09022015). Collection method: clinical testing. Allele origin: germline.
Comment: This sequence change replaces lysine, which is basic and polar, with glutamic acid, which is acidic and polar, at codon 2924 of the FAT1 protein (p.Lys2924Glu). This variant is not present in population databases (gnomAD no frequency). This variant has not been reported in the literature in individuals affected with FAT1-related conditions. An algorithm developed to predict the effect of missense changes on protein structure and function (PolyPhen-2) suggests that this variant is likely to be disruptive. In summary, the available evidence is currently insufficient to determine the role of this variant in disease. Therefore, it has been classified as a Variant of Uncertain Significance.

NM_005245.4(FAT1):c.8770A>G (p.Lys2924Glu)

Genes: FAT1 (FAT atypical cadherin 1; minus strand), LOC126807255 (BRD4-independent group 4 enhancer GRCh37_chr4:187538202-187539401; plus strand). Cytogenetic location: 4q35.2.
Variant type: single nucleotide variant.
Coding change: c.8770A>G on transcript NM_005245.4 (MANE Select); coding-DNA position 8770, A replaced by G.
Protein change: p.Lys2924Glu; replaces lysine 2924 with glutamic acid.
Molecular consequence: missense variant.
Genome position (GRCh38, 1-based): chr4:186,617,816, T>C on the plus strand (A>G on the coding strand, the complement: FAT1 is on the minus strand). VCF-style: chr4-186617816-T-C. GRCh37 (hg19) VCF-style: chr4-187538970-T-C.
Other names: c.8770A>G, p.Lys2924Glu (NM_001440455.1, NM_001440456.1, NM_001440457.1); short protein forms K2924E.
Identifiers: ClinVar variation 4719757 (VCV004719757.1).